The following is an entry in ClinVar:

NM_000478.6(ALPL):c.1250A>G (p.Asn417Ser)

Gene: ALPL (alkaline phosphatase, biomineralization associated; plus strand). Cytogenetic location: 1p36.12.
Variant type: single nucleotide variant.
Coding change: c.1250A>G on transcript NM_000478.6 (MANE Select); coding-DNA position 1250, A replaced by G.
Protein change: p.Asn417Ser; replaces asparagine 417 with serine.
Molecular consequence: missense variant.
Genome position (GRCh38, 1-based): chr1:21,576,582, A>G. VCF-style: chr1-21576582-A-G. GRCh37 (hg19) VCF-style: chr1-21903075-A-G.
Other names: N400S; c.1085A>G, p.Asn362Ser (NM_001127501.4); c.1019A>G, p.Asn340Ser (NM_001177520.3); c.1250A>G, p.Asn417Ser (NM_001369803.2, NM_001369804.2, NM_001369805.2); short protein forms N417S, N362S, N340S.
Identifiers: ClinVar variation 13679 (VCV000013679.58), dbSNP rs121918014, ClinGen allele CA199266.
Genomic context (GRCh38, chr1:21,576,582, plus strand): 5'-GTCTGGCCCCCATGCTGAGTGACACAGACAAGAAGCCCTTCACTGCCATCCTGTATGGCA[A>G]TGGGCCTGGCTACAAGGTGGTGGGCGGTGAACGAGAGAATGTCTCCATGGTGGACTATGG-3'
Protein context (NP_000469.3, residues 407-427): KKPFTAILYG[Asn417Ser]GPGYKVVGGE

ClinVar aggregate classification (germline): Pathogenic/Likely pathogenic. Review status: criteria provided, multiple submitters, no conflicts (2 of 4 stars). 25 submissions from 25 submitters: Pathogenic (20); Likely pathogenic (3). 2 of the submissions do not count toward it. Last evaluated 2026-08-17.

Conditions:
Autosomal dominant ALPL-related disorders.
Hypophosphataemia or rickets.
ALPL-related disorder. Also called: ALPL-related disorders; ALPL-related condition.
Childhood hypophosphatasia. Identifiers: Orphanet 247667, Orphanet 436, MedGen C0220743, MONDO:1010168, OMIM 241510, MONDO:0009428.
Infantile hypophosphatasia. Identifiers: Orphanet 247651, Orphanet 436, MedGen C0268412, MONDO:1010169, OMIM 241500, MONDO:0009427.
Adult hypophosphatasia. Identifiers: Orphanet 247676, Orphanet 436, MedGen C0268413, MONDO:1010154, OMIM 146300, MONDO:0007798.
Hypophosphatasia. Also called: Phosphoethanol-aminuria. Identifiers: Orphanet 436, MedGen C0020630, MeSH D007014, MONDO:0018570.
Perinatal lethal hypophosphatasia. Identifiers: Orphanet 247623, MedGen C2673477, MONDO:0016605.

Allele frequency attached by ClinVar (database versions not stated): gnomAD exomes 0.00002 and 0.00003; TOPMed 0.00003; ExAC 0.00005; gnomAD 0.00005 and 0.00006.

Submissions 1 to 12 of 25:

PreventionGenetics, part of Exact Sciences
Classification: Pathogenic for ALPL-related condition. Last evaluated: 2026-08-17. Review status: criteria provided, single submitter. Criteria: ACMG Guidelines, 2015. Collection method: clinical testing. Allele origin: germline.
Comment: The ALPL c.1250A>G variant is predicted to result in the amino acid substitution p.Asn417Ser. This variant, alternatively referred to as p.Asn400Ser using legacy nomenclature, has been reported in the compound heterozygous state in an individual with perinatal lethal hypophosphatasia (Sergi et al. 2001. PubMed ID: 11745997). It has also been reported in the heterozygous state in multiple individuals with adult hypophosphatasia and odontohypophosphatasia (Fauvert et al. 2009. PubMed ID: 19500388; Taillandier et al. 2017. PubMed ID: 29236161; Rush et al. 2025. PubMed ID: 39983296). In vitro functional assays using COS cells showed ~3% residual enzyme activity compared to wild-type and a dominant negative effect (Fauvert et al. 2009. PubMed ID: 19500388; Sultana et al. 2013. PubMed ID: 23688511). This variant is reported in 0.0062% of alleles in individuals of European (non-Finnish) descent in gnomAD. This variant is interpreted as pathogenic.

CeGaT Center for Human Genetics Tuebingen
Classification: Pathogenic. Last evaluated: 2026-06-01. Review status: criteria provided, single submitter. Criteria: CeGaT Center For Human Genetics Tuebingen Variant Classification Criteria Version 2. Collection method: clinical testing. Allele origin: germline. Affected: yes. Observed: 4 variant alleles.
Comment: ALPL: PS4, PM1, PM2, PP4:Moderate, PS3:Moderate

Labcorp Genetics (formerly Invitae), Labcorp
Classification: Pathogenic. Last evaluated: 2026-01-01. Review status: criteria provided, single submitter. Criteria: Invitae Variant Classification Sherloc (09022015). Collection method: clinical testing. Allele origin: germline.
Comment: This sequence change replaces asparagine, which is neutral and polar, with serine, which is neutral and polar, at codon 417 of the ALPL protein (p.Asn417Ser). This variant is present in population databases (rs121918014, gnomAD 0.006%). This missense change has been observed in individual(s) with hypophosphatasia (PMID: 11745997, 25731960, 27998428). In at least one individual the data is consistent with being in trans (on the opposite chromosome) from a pathogenic variant. It has also been observed to segregate with disease in related individuals. This variant is also known as p.Asn400Ser. ClinVar contains an entry for this variant (Variation ID: 13679). Invitae Evidence Modeling of protein sequence and biophysical properties (such as structural, functional, and spatial information, amino acid conservation, physicochemical variation, residue mobility, and thermodynamic stability) indicates that this missense variant is expected to disrupt ALPL protein function with a positive predictive value of 95%. Experimental studies have shown that this missense change affects ALPL function (PMID: 19500388, 23688511). For these reasons, this variant has been classified as Pathogenic.

Institute of Human Genetics, University of Leipzig Medical Center
Classification: Pathogenic for Adult hypophosphatasia. Last evaluated: 2025-12-17. Review status: criteria provided, single submitter. Criteria: ACMG Guidelines, 2015. Collection method: clinical testing. Allele origin: unknown. Inheritance: Autosomal dominant inheritance. Affected: yes.
Comment: Criteria applied: PS3,PS4,PP2,PP3

GeneDx
Classification: Pathogenic. Last evaluated: 2025-11-26. Review status: criteria provided, single submitter. Criteria: GeneDx Variant Classification Process June 2021. Collection method: clinical testing. Allele origin: germline. Affected: yes.
Comment: Published functional studies demonstrate that N417S exhibits a dominant negative effect on the ALPL protein (PMID: 19500388); In silico analysis supports that this missense variant has a deleterious effect on protein structure/function; This variant is associated with the following publications: (PMID: 34633109, 21956185, 29405932, 23688511, 11745997, 19500388, 27998428, 19232125, 28401263, 28939177, 29236161, 28000043, 29160013, 32160374, 28436937, 33069919, 25731960, 37993691, 36444396, 34258332, 33549410, 35878747, 34662886, 37422472, 38884565, 38702915, 39983296)

Variantyx, Inc.
Classification: Pathogenic for Autosomal dominant ALPL-related disorders. Last evaluated: 2025-11-07. Review status: criteria provided, single submitter. Criteria: Variantyx Assertion Criteria 2022. Collection method: clinical testing. Allele origin: germline. Inheritance: Autosomal dominant inheritance. Affected: yes.
Comment: This is a nonsynonymous variant in the ALPL gene (OMIM: 171760). Pathogenic variants in this gene have been associated with autosomal dominant ALPL-related disorders. This variant has been reported in at least four unrelated affected individuals (PMID:19500388, 33069919) (PS4). Functional studies have shown that this variant alters ALPL protein function (PMID 19500388, 23688511) (PS3) and multiple computational algorithms predict a deleterious effect for this variant (REVEL score: 0.81) (PP3). This variant lies within a known hotspot for pathogenic variants or a well-established critical functional domain of the ALPL protein (PM1). It has a 0.0041% maximum allele frequency in non-founder control populations (PM2). Based on the current evidence, this variant is classified as pathogenic for autosomal dominant ALPL-related disorders.

Natera, Inc.
Classification: Pathogenic for Hypophosphatasia. Last evaluated: 2025-10-09. Review status: criteria provided, single submitter. Criteria: Natera Variant Classification Schema (03/2026). Collection method: clinical testing. Allele origin: germline.
Comment: The c.1250A>G variant in ALPL is a missense variant predicted to cause substitution of asparagine to serine at amino acid 417. This variant is rare in the general population with a frequency below the threshold expected for the associated phenotype(s). This variant has been observed in one or more individuals affected with the associated recessive disease, as either homozygous or compound heterozygous with a second variant (PMID: 11745997, 18925618, 25731960). Functional studies show that this variant may disrupt protein function (PMID: 23688511). Computational prediction algorithms indicate this variant is likely to affect gene or protein function. Given the available evidence, this variant is classified as Pathogenic.

Rare Kidney Stone Consortium and the Mayo Clinic Hyperoxaluria Center, Mayo Clinic
Classification: Likely pathogenic for Adult hypophosphatasia; Infantile hypophosphatasia; Childhood hypophosphatasia. Last evaluated: 2025-10-03. Review status: criteria provided, single submitter. Criteria: ACMG Guidelines, 2015. Collection method: research. Allele origin: germline. Observed: 2 variant alleles.
Comment: ACMG:PM1, PM2, PP2, PP3,PP5

Genomenon, Inc
Classification: Pathogenic for Hypophosphatasia. Last evaluated: 2025-08-29. Review status: criteria provided, single submitter. Criteria: Genomenon Sequence Variant Interpretation Standards. Collection method: curation. Allele origin: germline. Affected: yes.
Comment: ALPL p.Asn417Ser (c.1250A>G) is a missense variant that changes the amino acid at residue 417 from Asparagine to Serine. This variant has been observed in multiple probands affected with hypophosphatasia (PMID:19500388;35878747;28436937;25731960;32973344;29264574;28580391;32811521). At least one functional study has demonstrated a substantial alteration in protein function relative to the wild-type (PMID:23688511;32160374;19500388). It is absent or not present at a significant frequency in gnomAD. In silico models agree that this variant is possibly or probably damaging. In conclusion, we classify ALPL p.Asn417Ser (c.1250A>G) as a pathogenic variant.

Mayo Clinic Laboratories, Mayo Clinic
Classification: Pathogenic. Last evaluated: 2025-07-18. Review status: criteria provided, single submitter. Criteria: ACMG Guidelines, 2015. Collection method: clinical testing. Allele origin: germline. Observed: 1 variant allele.
Comment: PP3_moderate, PM1, PM2_supporting, PM3_very_strong, PS3

Institute of Immunology and Genetics Kaiserslautern
Classification: Pathogenic for Adult hypophosphatasia. Last evaluated: 2025-05-13. Review status: criteria provided, single submitter. Criteria: ACMG Guidelines, 2015. Collection method: clinical testing. Allele origin: germline. Affected: yes.
Comment: ACMG Criteria: PS3, PS4_M, PM1, PM2_P, PM3, PP3, PP5; Variant was found in heterozygous state.

Cambridge Genomics Laboratory, East Genomic Laboratory Hub, NHS Genomic Medicine Service
Classification: Pathogenic for Hypophosphataemia or rickets. Last evaluated: 2025-03-20. Review status: criteria provided, single submitter. Criteria: ACGS Best Practice Guidelines for Variant Classification in Rare Disease 2020. Collection method: clinical testing. Allele origin: germline. Affected: yes.
Comment: PS4_Moderate,PM1_Strong,PM2,PP3,PP4